The following is an entry in ClinVar:

ClinVar aggregate classification (germline): Pathogenic (1 of 4 stars; one submission).

Conditions:
LAMA2-related muscular dystrophy (LAMA2-RD). Also called: Laminin alpha 2-related dystrophy. Identifiers: MedGen C5679788, MONDO:0100228.

gnomAD v4.1: 1 of 1,609,482 alleles (0.000062%); highest among the groups gnomAD compares: Non-Finnish European, 0.000085%; no homozygotes.

Submission:

Labcorp Genetics (formerly Invitae), Labcorp
Classification: Pathogenic for LAMA2-related muscular dystrophy. Last evaluated: 2024-10-13. Review status: criteria provided, single submitter. Criteria: Invitae Variant Classification Sherloc (09022015). Collection method: clinical testing. Allele origin: germline.
Comment: This sequence change creates a premature translational stop signal (p.Gly105*) in the LAMA2 gene. It is expected to result in an absent or disrupted protein product. Loss-of-function variants in LAMA2 are known to be pathogenic (PMID: 18700894, 32904964). This variant is not present in population databases (gnomAD no frequency). This variant has not been reported in the literature in individuals affected with LAMA2-related conditions. For these reasons, this variant has been classified as Pathogenic.

Literature cited by the submitters: PubMed 18700894; PubMed 32904964.

NM_000426.4(LAMA2):c.313G>T (p.Gly105Ter)

Gene: LAMA2 (laminin subunit alpha 2; plus strand). Cytogenetic location: 6q22.33.
Variant type: single nucleotide variant.
Coding change: c.313G>T on transcript NM_000426.4 (MANE Select); coding-DNA position 313, G replaced by T.
Protein change: p.Gly105Ter; replaces glycine 105 with a stop codon.
Molecular consequence: nonsense.
Genome position (GRCh38, 1-based): chr6:129,059,813, G>T. VCF-style: chr6-129059813-G-T. GRCh37 (hg19) VCF-style: chr6-129380958-G-T.
Other names: c.313G>T, p.Gly105Ter (NM_001079823.2); short protein forms G105*.
Identifiers: ClinVar variation 3659562 (VCV003659562.2).